The following is an entry in ClinVar:

NM_002354.3(EPCAM):c.397A>G (p.Ile133Val)

Gene: EPCAM (epithelial cell adhesion molecule; plus strand). Cytogenetic location: 2p21.
Variant type: single nucleotide variant.
Coding change: c.397A>G on transcript NM_002354.3 (MANE Select); coding-DNA position 397, A replaced by G.
Protein change: p.Ile133Val; replaces isoleucine 133 with valine.
Molecular consequence: missense variant.
Genome position (GRCh38, 1-based): chr2:47,374,020, A>G. VCF-style: chr2-47374020-A-G. GRCh37 (hg19) VCF-style: chr2-47601159-A-G.
Other names: short protein forms I133V.
Identifiers: ClinVar variation 4249691 (VCV004249691.1).
Genomic context (GRCh38, chr2:47,374,020, plus strand): 5'-ACCTCCATGTGCTGGTGTGTGAACACTGCTGGGGTCAGAAGAACAGACAAGGACACTGAA[A>G]TAACCTGCTCTGAGCGAGTGAGAACCTAGTGAGTGGGGCTGCCTATACTACTTGTTTTCA-3'
Protein context (NP_002345.2, residues 123-143): GVRRTDKDTE[Ile133Val]TCSERVRTYW

ClinVar aggregate classification (germline): Uncertain significance (1 of 4 stars; one submission).

Conditions:
Hereditary cancer-predisposing syndrome. Also called: Hereditary Cancer Syndrome; Hereditary neoplastic syndrome; Neoplastic Syndromes, Hereditary; Tumor predisposition. Identifiers: Orphanet 140162, MedGen C0027672, MeSH D009386, MONDO:0015356.

gnomAD v4.1: 3 of 1,614,224 alleles (0.00019%); highest among the groups gnomAD compares: South Asian, 0.0033%; no homozygotes.

Submission:

Ambry Genetics
Classification: Uncertain significance for Hereditary cancer-predisposing syndrome. Last evaluated: 2025-08-22. Review status: criteria provided, single submitter. Criteria: Ambry Variant Classification Scheme 2023. Collection method: clinical testing. Allele origin: germline.
Comment: The p.I133V variant (also known as c.397A>G), located in coding exon 3 of the EPCAM gene, results from an A to G substitution at nucleotide position 397. The isoleucine at codon 133 is replaced by valine, an amino acid with highly similar properties. This amino acid position is conserved. In addition, this alteration is predicted to be tolerated by in silico analysis. Based on the available evidence, the clinical significance of this variant remains unclear.